The following is an entry in ClinVar:

ClinVar aggregate classification (germline): Uncertain significance. Review status: criteria provided, multiple submitters, no conflicts (2 of 4 stars). 2 submissions from 2 submitters: Uncertain significance (2). Last evaluated 2021-08-27.

Conditions:
Autosomal dominant Parkinson disease 8. Also called: Parkinson disease 8, susceptibility to; LRRK2-Related Parkinson Disease; Parkinson disease 8. Identifiers: Orphanet 411602, MedGen C1846862, MONDO:0011764, OMIM 607060.

Submissions (2):

Blueprint Genetics
Classification: Uncertain significance. Last evaluated: 2021-08-27. Review status: criteria provided, single submitter. Criteria: ACMG Guidelines, 2015. Collection method: clinical testing. Allele origin: germline.

Labcorp Genetics (formerly Invitae), Labcorp
Classification: Uncertain significance for Parkinson disease 8, autosomal dominant. Last evaluated: 2019-09-09. Review status: criteria provided, single submitter. Criteria: Invitae Variant Classification Sherloc (09022015). Collection method: clinical testing. Allele origin: germline.
Comment: This sequence change replaces glutamic acid with lysine at codon 344 of the LRRK2 protein (p.Glu344Lys). The glutamic acid residue is weakly conserved and there is a small physicochemical difference between glutamic acid and lysine. This variant is not present in population databases (ExAC no frequency). This variant has not been reported in the literature in individuals with LRRK2-related conditions. Algorithms developed to predict the effect of missense changes on protein structure and function are either unavailable or do not agree on the potential impact of this missense change (SIFT: "Deleterious"; PolyPhen-2: "Benign"; Align-GVGD: "Class C0"). In summary, the available evidence is currently insufficient to determine the role of this variant in disease. Therefore, it has been classified as a Variant of Uncertain Significance.

NM_198578.4(LRRK2):c.1030G>A (p.Glu344Lys)

Gene: LRRK2 (leucine rich repeat kinase 2; plus strand). Cytogenetic location: 12q12.
Variant type: single nucleotide variant.
Coding change: c.1030G>A on transcript NM_198578.4 (MANE Select); coding-DNA position 1030, G replaced by A.
Protein change: p.Glu344Lys; replaces glutamic acid 344 with lysine.
Molecular consequence: missense variant.
Genome position (GRCh38, 1-based): chr12:40,251,303, G>A. VCF-style: chr12-40251303-G-A. GRCh37 (hg19) VCF-style: chr12-40645105-G-A.
Other names: short protein forms E344K.
Identifiers: ClinVar variation 963191 (VCV000963191.2), dbSNP rs1942259532, ClinGen allele CA384407852.